The following is an entry in ClinVar:

NM_000448.3(RAG1):c.1864del (p.Ala622fs)

Gene: RAG1 (recombination activating 1; plus strand). Cytogenetic location: 11p12.
Variant type: Deletion.
Coding change: c.1864del on transcript NM_000448.3 (MANE Select); coding-DNA position 1864, one base deleted (G; older notation c.1864delG).
Protein change: p.Ala622fs; shifts the reading frame from alanine 622.
Molecular consequence: frameshift variant.
Genome position (GRCh38, 1-based): chr11:36,575,168, G deleted; the last of 2 consecutive G bases (chr11:36,575,167-36,575,168); deleting either gives the same sequence. VCF-style (leftmost placement, unchanged base first): chr11-36575166-AG-A. GRCh37 (hg19) VCF-style: chr11-36596716-AG-A.
Other names: c.1864del, p.Ala622fs (NM_001377277.1, NM_001377278.1, NM_001377279.1 and 1 more transcripts); c.1863delG (NM_000448.2); short protein forms A622fs.
Identifiers: ClinVar variation 624603 (VCV000624603.4), dbSNP rs1564989455, ClinGen allele CA913190255.

ClinVar aggregate classification (germline): Pathogenic (1 of 4 stars; one submission).

Conditions:
Combined immunodeficiency with skin granulomas. Identifiers: Orphanet 157949, MedGen C2673536, MONDO:0009306, OMIM 233650.
Severe combined immunodeficiency, autosomal recessive, T cell-negative, B cell-negative, NK cell-positive. Also called: SCID, T CELL-NEGATIVE, B CELL-NEGATIVE, NK CELL-POSITIVE; SCID, AR, T-cell negative, B-cell negative, NK cell-positive; Severe combined immunodeficiency due to complete RAG1/2 deficiency. Identifiers: Orphanet 331206, MedGen C1832322, MONDO:0011086, OMIM 601457.

Submission:

Labcorp Genetics (formerly Invitae), Labcorp
Classification: Pathogenic for Combined immunodeficiency with skin granulomas; Severe combined immunodeficiency, autosomal recessive, T cell-negative, B cell-negative, NK cell-positive. Last evaluated: 2023-02-15. Review status: criteria provided, single submitter. Criteria: Invitae Variant Classification Sherloc (09022015). Collection method: clinical testing. Allele origin: germline.
Comment: This sequence change creates a premature translational stop signal (p.Ala622Glnfs*9) in the RAG1 gene. While this is not anticipated to result in nonsense mediated decay, it is expected to disrupt the last 422 amino acid(s) of the RAG1 protein. For these reasons, this variant has been classified as Pathogenic. This variant disrupts a region of the RAG1 protein in which other variant(s) (p.Trp959*) have been determined to be pathogenic (PMID: 11133745, 24290284, 24406074). This suggests that this is a clinically significant region of the protein, and that variants that disrupt it are likely to be disease-causing. This premature translational stop signal has been observed in individual(s) with severe combined immunodeficiency (PMID: 31031743). This variant is not present in population databases (gnomAD no frequency).

Literature cited by the submitters: PubMed 11133745; PubMed 24290284; PubMed 24406074; PubMed 31031743.